The following is an entry in ClinVar:

ClinVar aggregate classification (germline): Uncertain significance. Review status: criteria provided, multiple submitters, no conflicts (2 of 4 stars). 2 submissions from 2 submitters: Uncertain significance (2). Last evaluated 2025-06-12.

Allele frequency attached by ClinVar (database versions not stated): ESP Exome Variant Server 0.00008; gnomAD 0.00011; TOPMed 0.00011; gnomAD exomes 0.00001 and 0.00003; ExAC 0.00006.
gnomAD v4.1: 27 of 1,614,024 alleles (0.0017%); highest among the groups gnomAD compares: African/African-American, 0.035%; no homozygotes.

Submissions (2):

Labcorp Genetics (formerly Invitae), Labcorp
Classification: Uncertain significance. Last evaluated: 2025-06-12. Review status: criteria provided, single submitter. Criteria: Invitae Variant Classification Sherloc (09022015). Collection method: clinical testing. Allele origin: germline.
Comment: This sequence change replaces threonine, which is neutral and polar, with alanine, which is neutral and non-polar, at codon 2195 of the CPLANE1 protein (p.Thr2195Ala). This variant is present in population databases (rs374876051, gnomAD 0.05%). This variant has not been reported in the literature in individuals affected with CPLANE1-related conditions. ClinVar contains an entry for this variant (Variation ID: 432559). Invitae Evidence Modeling of protein sequence and biophysical properties (such as structural, functional, and spatial information, amino acid conservation, physicochemical variation, residue mobility, and thermodynamic stability) indicates that this missense variant is not expected to disrupt CPLANE1 protein function with a negative predictive value of 95%. In summary, the available evidence is currently insufficient to determine the role of this variant in disease. Therefore, it has been classified as a Variant of Uncertain Significance.

GeneDx
Classification: Uncertain significance. Last evaluated: 2017-06-26. Review status: criteria provided, single submitter. Criteria: GeneDx Variant Classification (06012015). Collection method: clinical testing. Allele origin: germline. Affected: yes.
Comment: A variant of uncertain significance has been identified in the C5ORF42 gene. The T2195A variant has not been published as a pathogenic variant, nor has it been reported as a benign variant to our knowledge. The T2195A variant is observed in 7/10376 (0.07%) alleles from individuals of African background (Lek et al., 2016; 1000 Genomes Consortium et al., 2015; Exome Variant Server). The T2195A variant is a non-conservative amino acid substitution, which is likely to impact secondary protein structure as these residues differ in polarity, charge, size and/or other properties. However, this substitution occurs at a position that is not conserved, and in silico analysis predicts this variant likely does not alter the protein structure/function. Therefore, based on the currently available information, it is unclear whether this variant is a pathogenic variant or a rare benign variant.

NM_001384732.1(CPLANE1):c.6583A>G (p.Thr2195Ala)

Gene: CPLANE1 (ciliogenesis and planar polarity effector complex subunit 1; minus strand). Cytogenetic location: 5p13.2.
Variant type: single nucleotide variant.
Coding change: c.6583A>G on transcript NM_001384732.1 (MANE Select); coding-DNA position 6583, A replaced by G.
Protein change: p.Thr2195Ala; replaces threonine 2195 with alanine.
Molecular consequence: missense variant.
Genome position (GRCh38, 1-based): chr5:37,169,441, T>C on the plus strand (A>G on the coding strand, the complement: CPLANE1 is on the minus strand). VCF-style: chr5-37169441-T-C. GRCh37 (hg19) VCF-style: chr5-37169543-T-C.
Other names: c.6583A>G, p.Thr2195Ala (NM_023073.4); short protein forms T2195A.
Identifiers: ClinVar variation 432559 (VCV000432559.8), dbSNP rs374876051, ClinGen allele CA3238217.
Genomic context (GRCh38, chr5:37,169,441, plus strand): 5'-GTGGGATAAGTCTAGGTGCCTTCTGAACAACAGAAGGTGTGGACAAAAGGTAGAGGTGAG[T>C]ATTTCCAGCAGGAGCTGGATAAAACGAAGTGGATGGTAAGTTTTGAGATGATGGAATTGG-3'
Protein context (NP_001371661.1, residues 2185-2205): TSFYPAPAGN[Thr2195Ala]HLYLLSTPSV